The following is an entry in ClinVar:

ClinVar aggregate classification (germline): Uncertain significance (1 of 4 stars; one submission).

Conditions:
Cardiovascular phenotype. Identifiers: MedGen CN230736.

Allele frequency attached by ClinVar (database versions not stated): gnomAD exomes 0.00001.
gnomAD v4.1: 8 of 1,551,722 alleles (0.00052%); highest among the groups gnomAD compares: South Asian, 0.0012%; no homozygotes.

Submission:

Ambry Genetics
Classification: Uncertain significance for Cardiovascular phenotype. Last evaluated: 2024-02-04. Review status: criteria provided, single submitter. Criteria: Ambry Variant Classification Scheme 2023. Collection method: clinical testing. Allele origin: germline.
Comment: The p.L14P variant (also known as c.41T>C), located in coding exon 1 of the EFEMP2 gene, results from a T to C substitution at nucleotide position 41. The leucine at codon 14 is replaced by proline, an amino acid with similar properties. This amino acid position is conserved. In addition, the in silico prediction for this alteration is inconclusive. Based on the available evidence, the clinical significance of this alteration remains unclear.

NM_016938.5(EFEMP2):c.41T>C (p.Leu14Pro)

Gene: EFEMP2 (EGF containing fibulin extracellular matrix protein 2; minus strand). Cytogenetic location: 11q13.1.
Variant type: single nucleotide variant.
Coding change: c.41T>C on transcript NM_016938.5 (MANE Select); coding-DNA position 41, T replaced by C.
Protein change: p.Leu14Pro; replaces leucine 14 with proline.
Molecular consequence: missense variant. On other transcripts: non-coding transcript variant (1).
Genome position (GRCh38, 1-based): chr11:65,872,314, A>G on the plus strand (T>C on the coding strand, the complement: EFEMP2 is on the minus strand). VCF-style: chr11-65872314-A-G. GRCh37 (hg19) VCF-style: chr11-65639785-A-G.
Other names: short protein forms L14P.
Identifiers: ClinVar variation 3226929 (VCV003226929.1), dbSNP rs1859978687, ClinGen allele CA381311566.